The following is an entry in ClinVar:

NM_003850.3(SUCLA2):c.827A>G (p.Asn276Ser)

Gene: SUCLA2 (succinate-CoA ligase ADP-forming subunit beta; minus strand). Cytogenetic location: 13q14.2.
Variant type: single nucleotide variant.
Coding change: c.827A>G on transcript NM_003850.3 (MANE Select); coding-DNA position 827, A replaced by G.
Protein change: p.Asn276Ser; replaces asparagine 276 with serine.
Molecular consequence: missense variant.
Genome position (GRCh38, 1-based): chr13:47,954,533, T>C on the plus strand (A>G on the coding strand, the complement: SUCLA2 is on the minus strand). VCF-style: chr13-47954533-T-C. GRCh37 (hg19) VCF-style: chr13-48528668-T-C.
Other names: short protein forms N276S.
Identifiers: ClinVar variation 3372301 (VCV003372301.3).

ClinVar aggregate classification (germline): Uncertain significance. Review status: criteria provided, multiple submitters, no conflicts (2 of 4 stars). 2 submissions from 2 submitters: Uncertain significance (2). Last evaluated 2026-07-23.

Conditions:
Inborn genetic diseases. Identifiers: MedGen C0950123, MeSH D030342.

gnomAD v4.1: 39 of 1,613,716 alleles (0.0024%); highest among the groups gnomAD compares: African/African-American, 0.0027%; no homozygotes.

Submissions (2):

GeneDx
Classification: Uncertain significance. Last evaluated: 2026-07-23. Review status: criteria provided, single submitter. Criteria: GeneDx Variant Classification Process June 2021. Collection method: clinical testing. Allele origin: germline.
Comment: In silico analysis supports that this missense variant has a deleterious effect on protein structure/function; Has not been previously published as pathogenic or benign to our knowledge

Ambry Genetics
Classification: Uncertain significance for Inborn genetic diseases. Last evaluated: 2024-08-01. Review status: criteria provided, single submitter. Criteria: Ambry Variant Classification Scheme 2023. Collection method: clinical testing. Allele origin: germline.